The following is an entry in ClinVar:

NM_004655.4(AXIN2):c.646G>A (p.Gly216Arg)

Gene: AXIN2 (axin 2; minus strand). Cytogenetic location: 17q24.1.
Variant type: single nucleotide variant.
Coding change: c.646G>A on transcript NM_004655.4 (MANE Select); coding-DNA position 646, G replaced by A.
Protein change: p.Gly216Arg; replaces glycine 216 with arginine.
Molecular consequence: missense variant.
Genome position (GRCh38, 1-based): chr17:65,557,975, C>T on the plus strand (G>A on the coding strand, the complement: AXIN2 is on the minus strand). VCF-style: chr17-65557975-C-T. GRCh37 (hg19) VCF-style: chr17-63554093-C-T.
Other names: c.646G>A, p.Gly216Arg (NM_001363813.1); c.646G>A (LRG_296t1); short protein forms G216R.
Identifiers: ClinVar variation 464635 (VCV000464635.14), dbSNP rs1555583315, ClinGen allele CA400680577.

ClinVar aggregate classification (germline): Uncertain significance. Review status: criteria provided, multiple submitters, no conflicts (2 of 4 stars). 4 submissions from 4 submitters: Uncertain significance (4). Last evaluated 2025-10-21.

Conditions:
Hereditary cancer-predisposing syndrome. Also called: Hereditary neoplastic syndrome; Neoplastic Syndromes, Hereditary; Hereditary Cancer Syndrome; Tumor predisposition. Identifiers: Orphanet 140162, MedGen C0027672, MeSH D009386, MONDO:0015356.
Oligodontia-cancer predisposition syndrome. Also called: TOOTH AGENESIS-COLORECTAL CANCER SYNDROME. Identifiers: Orphanet 300576, MedGen C1837750, MONDO:0012075, OMIM 608615. Disease mechanism: loss of function.
Colorectal cancer. Also called: Malignant Colorectal Neoplasm; Colorectal cancer, somatic. Identifiers: MedGen C0346629, MONDO:0005575, OMIM 114500.

Allele frequency attached by ClinVar (database versions not stated): gnomAD exomes below 0.00001.
gnomAD v4.1: 2 of 1,614,172 alleles (0.00012%); highest among the groups gnomAD compares: Non-Finnish European, 0.000085%; no homozygotes.

Submissions (4):

Labcorp Genetics (formerly Invitae), Labcorp
Classification: Uncertain significance for Oligodontia-cancer predisposition syndrome. Last evaluated: 2025-10-21. Review status: criteria provided, single submitter. Criteria: Invitae Variant Classification Sherloc (09022015). Collection method: clinical testing. Allele origin: germline.
Comment: This sequence change replaces glycine, which is neutral and non-polar, with arginine, which is basic and polar, at codon 216 of the AXIN2 protein (p.Gly216Arg). This variant is not present in population databases (gnomAD no frequency). This variant has not been reported in the literature in individuals affected with AXIN2-related conditions. ClinVar contains an entry for this variant (Variation ID: 464635). Invitae Evidence Modeling of protein sequence and biophysical properties (such as structural, functional, and spatial information, amino acid conservation, physicochemical variation, residue mobility, and thermodynamic stability) indicates that this missense variant is not expected to disrupt AXIN2 protein function with a negative predictive value of 80%. In summary, the available evidence is currently insufficient to determine the role of this variant in disease. Therefore, it has been classified as a Variant of Uncertain Significance.

Ambry Genetics
Classification: Uncertain significance for Hereditary cancer-predisposing syndrome. Last evaluated: 2024-02-14. Review status: criteria provided, single submitter. Criteria: Ambry Variant Classification Scheme 2023. Collection method: clinical testing. Allele origin: germline.
Comment: The p.G216R variant (also known as c.646G>A), located in coding exon 1 of the AXIN2 gene, results from a G to A substitution at nucleotide position 646. The glycine at codon 216 is replaced by arginine, an amino acid with dissimilar properties. This amino acid position is highly conserved in available vertebrate species. In addition, the in silico prediction for this alteration is inconclusive. Based on the available evidence, the clinical significance of this alteration remains unclear.

Blueprint Genetics
Classification: Uncertain significance. Last evaluated: 2024-01-29. Review status: criteria provided, single submitter. Criteria: ACMG Guidelines, 2015. Collection method: clinical testing. Allele origin: germline.

Baylor Genetics
Classification: Uncertain significance for Colorectal cancer. Last evaluated: 2023-10-18. Review status: criteria provided, single submitter. Criteria: ACMG Guidelines, 2015. Collection method: clinical testing. Allele origin: unknown.